The following is an entry in ClinVar:

NM_005633.4(SOS1):c.3946C>G (p.His1316Asp)

Gene: SOS1 (SOS Ras/Rac guanine nucleotide exchange factor 1; minus strand). Cytogenetic location: 2p22.1.
Variant type: single nucleotide variant.
Coding change: c.3946C>G on transcript NM_005633.4 (MANE Select); coding-DNA position 3946, C replaced by G.
Protein change: p.His1316Asp; replaces histidine 1316 with aspartic acid.
Molecular consequence: missense variant.
Genome position (GRCh38, 1-based): chr2:38,985,880, G>C on the plus strand (C>G on the coding strand, the complement: SOS1 is on the minus strand). VCF-style: chr2-38985880-G-C. GRCh37 (hg19) VCF-style: chr2-39213021-G-C.
Other names: p.H1316D:CAC>GAC; p.His1316Asp; c.3925C>G, p.His1309Asp (NM_001382394.1); c.3901C>G, p.His1301Asp (NM_001382395.1); short protein forms H1316D, H1301D, H1309D.
Identifiers: ClinVar variation 181557 (VCV000181557.19), dbSNP rs371024396, ClinGen allele CA297292.

ClinVar aggregate classification (germline): Conflicting classifications of pathogenicity. Review status: criteria provided, conflicting classifications (1 of 4 stars). 8 submissions from 8 submitters: Uncertain significance (3); Likely benign (5). Last evaluated 2026-02-11.

Conditions:
SOS1-related disorder. Also called: SOS1-related condition.
Cardiovascular phenotype. Identifiers: MedGen CN230736.
RASopathy. Also called: Noonan spectrum disorder; rasopathies. Identifiers: Orphanet 536391, MedGen C5555857, MONDO:0021060.
Noonan syndrome 4 (NS4). Also called: SOS1-Related Noonan Syndrome; NOONAN SYNDROME WITH PIGMENTED VILLONODULAR SYNOVITIS. Identifiers: Orphanet 648, MedGen C1853120, MONDO:0012547, OMIM 610733.

Allele frequency attached by ClinVar (database versions not stated): gnomAD exomes 0.00007; TOPMed 0.00008; gnomAD 0.00011 and 0.00013; ESP Exome Variant Server 0.00015; 1000 Genomes Project 0.00020; 1000 Genomes Project 30x 0.00031.
gnomAD v4.1: 116 of 1,613,922 alleles (0.0072%); highest among the groups gnomAD compares: Non-Finnish European, 0.0073%; no homozygotes.

Submissions (8):

St. Jude Molecular Pathology, St. Jude Children's Research Hospital
Classification: Uncertain significance for Noonan syndrome 4. Last evaluated: 2026-02-11. Review status: criteria provided, single submitter. Criteria: St. Jude Assertion Criteria 2020. Collection method: clinical testing. Allele origin: germline.
Comment: The SOS1 c.3946C>G p.(His1316Asp) missense change has a maximum subpopulation frequency of 0.019% in gnomAD v2.1.1. The in silico tool REVEL is inconclusive about a pathogenic or benign effect of this variant on protein function, and to our knowledge functional studies have not been performed. To our knowledge, this variant has not been reported in individuals with Noonan syndrome. In summary, the evidence currently available is insufficient to determine the clinical significance of this variant. It has therefore been classified as of uncertain significance.

Labcorp Genetics (formerly Invitae), Labcorp
Classification: Likely benign for RASopathy. Last evaluated: 2026-01-14. Review status: criteria provided, single submitter. Criteria: Invitae Variant Classification Sherloc (09022015). Collection method: clinical testing. Allele origin: germline.

PreventionGenetics, part of Exact Sciences
Classification: Likely benign for SOS1-related condition. Last evaluated: 2025-05-01. Review status: criteria provided, single submitter. Criteria: ACMG Guidelines, 2015. Collection method: clinical testing. Allele origin: germline.
Comment: This variant is classified as likely benign based on ACMG/AMP sequence variant interpretation guidelines (Richards et al. 2015 PMID: 25741868, with internal and published modifications).

Ambry Genetics
Classification: Uncertain significance for Cardiovascular phenotype. Last evaluated: 2024-12-11. Review status: criteria provided, single submitter. Criteria: Ambry Variant Classification Scheme 2023. Collection method: clinical testing. Allele origin: germline.
Comment: The p.H1316D variant (also known as c.3946C>G), located in coding exon 23 of the SOS1 gene, results from a C to G substitution at nucleotide position 3946. The histidine at codon 1316 is replaced by aspartic acid, an amino acid with similar properties. This amino acid position is highly conserved in available vertebrate species. In addition, the in silico prediction for this alteration is inconclusive. Since supporting evidence is limited at this time, the clinical significance of this alteration remains unclear.

Mayo Clinic Laboratories, Mayo Clinic
Classification: Uncertain significance. Last evaluated: 2024-12-09. Review status: criteria provided, single submitter. Criteria: ACMG Guidelines, 2015. Collection method: clinical testing. Allele origin: germline. Observed: 1 variant allele.

Blueprint Genetics
Classification: Likely benign. Last evaluated: 2024-08-12. Review status: criteria provided, single submitter. Criteria: ACMG Guidelines, 2015. Collection method: clinical testing. Allele origin: germline.

Women's Health and Genetics/Laboratory Corporation of America, LabCorp
Classification: Likely benign. Last evaluated: 2021-04-05. Review status: criteria provided, single submitter. Criteria: LabCorp Variant Classification Summary - May 2015. Collection method: clinical testing. Allele origin: germline.
Comment: Variant summary: SOS1 c.3946C>G (p.His1316Asp) results in a non-conservative amino acid change in the encoded protein sequence. Three of five in-silico tools predict a benign effect of the variant on protein function. The variant allele was found at a frequency of 0.00011 in 251318 control chromosomes (gnomAD). The observed variant frequency is approximately 3.7 fold of the estimated maximal expected allele frequency for a pathogenic variant in SOS1 causing Noonan Syndrome phenotype (3e-05), strongly suggesting that the variant is benign. To our knowledge, no occurrence of c.3946C>G in individuals affected with Noonan Syndrome and no experimental evidence demonstrating its impact on protein function have been reported. Two clinical diagnostic laboratories have submitted clinical-significance assessments for this variant to ClinVar after 2014 without evidence for independent evaluation. All laboratories classified the variant as uncertain significance. Based on the evidence outlined above, the variant was classified as likely benign.

GeneDx
Classification: Likely benign. Last evaluated: 2021-01-29. Review status: criteria provided, single submitter. Criteria: GeneDx Variant Classification Process June 2021. Collection method: clinical testing. Allele origin: germline. Affected: yes.
Comment: Has not been previously published as pathogenic or benign to our knowledge